The following is an entry in ClinVar:

ClinVar aggregate classification (germline): Uncertain significance. Review status: criteria provided, multiple submitters, no conflicts (2 of 4 stars). 2 submissions from 2 submitters: Uncertain significance (2). Last evaluated 2025-08-22.

Conditions:
Inborn genetic diseases. Identifiers: MedGen C0950123, MeSH D030342.

Allele frequency attached by ClinVar (database versions not stated): gnomAD exomes 0.00001 and 0.00004; gnomAD 0.00003.
gnomAD v4.1: 59 of 1,613,848 alleles (0.0037%); highest among the groups gnomAD compares: Non-Finnish European, 0.0048%; no homozygotes.

Submissions (2):

Ambry Genetics
Classification: Uncertain significance for Inborn genetic diseases. Last evaluated: 2025-08-22. Review status: criteria provided, single submitter. Criteria: Ambry Variant Classification Scheme 2023. Collection method: clinical testing. Allele origin: germline.

Labcorp Genetics (formerly Invitae), Labcorp
Classification: Uncertain significance. Last evaluated: 2023-08-04. Review status: criteria provided, single submitter. Criteria: Invitae Variant Classification Sherloc (09022015). Collection method: clinical testing. Allele origin: germline.
Comment: Algorithms developed to predict the effect of missense changes on protein structure and function output the following: SIFT: "Not Available"; PolyPhen-2: "Benign"; Align-GVGD: "Not Available". The threonine amino acid residue is found in multiple mammalian species, which suggests that this missense change does not adversely affect protein function. In summary, the available evidence is currently insufficient to determine the role of this variant in disease. Therefore, it has been classified as a Variant of Uncertain Significance. ClinVar contains an entry for this variant (Variation ID: 1364226). This sequence change replaces alanine, which is neutral and non-polar, with threonine, which is neutral and polar, at codon 1457 of the LAMC3 protein (p.Ala1457Thr). This variant is present in population databases (no rsID available, gnomAD 0.002%). This variant has not been reported in the literature in individuals affected with LAMC3-related conditions.

NM_006059.4(LAMC3):c.4369G>A (p.Ala1457Thr)

Gene: LAMC3 (laminin subunit gamma 3; plus strand). Cytogenetic location: 9q34.12.
Variant type: single nucleotide variant.
Coding change: c.4369G>A on transcript NM_006059.4 (MANE Select); coding-DNA position 4369, G replaced by A.
Protein change: p.Ala1457Thr; replaces alanine 1457 with threonine.
Molecular consequence: missense variant.
Genome position (GRCh38, 1-based): chr9:131,087,614, G>A. VCF-style: chr9-131087614-G-A. GRCh37 (hg19) VCF-style: chr9-133963001-G-A.
Other names: c.4369G>A (NM_006059.3); short protein forms A1457T.
Identifiers: ClinVar variation 1364226 (VCV001364226.8), dbSNP rs903687634, ClinGen allele CA200682501.
Genomic context (GRCh38, chr9:131,087,614, plus strand): 5'-CTCCAACAGGCGTCCCAGCAGGTGCTGGCGTCTGAAGCACGCAGACAGGAGCTGGAGGAA[G>A]CTGAGCGGGTACGTTTGCCAGGGCCCCTACCCTATCGCCTCCTGCCCCTGGCAGCCCGGG-3'
Protein context (NP_006050.3, residues 1447-1467): SEARRQELEE[Ala1457Thr]ERVGAGLSEM